The following is an entry in ClinVar:

ClinVar aggregate classification (germline): Likely pathogenic (1 of 4 stars; one submission).

Conditions:
Mucolipidosis type II. Also called: ML II ALPHA/BETA; Mucolipidosis 2; ML 2; Inclusion cell disease; Leroy Disease; N-acetylglucosamine 1phosphotransferase deficiency. Identifiers: Orphanet 576, MedGen C2673377, MONDO:0009650, OMIM 252500.
Pseudo-Hurler polydystrophy. Also called: ML III; ML III ALPHA/BETA; Mucolipidosis III Alpha/Beta; Type III Mucolipidosis; ML IIIA; MUCOLIPIDOSIS IIIA. Identifiers: Orphanet 423461, Orphanet 577, MedGen C0033788, MONDO:0018931, OMIM 252600.

Submission:

Diagnostics Division, CENTRE FOR DNA FINGERPRINTING AND DIAGNOSTICS
Classification: Likely pathogenic for Mucolipidosis type II; Pseudo-Hurler polydystrophy. Last evaluated: 2016-01-01. Review status: criteria provided, single submitter. Criteria: ACMG Guidelines, 2015. Collection method: research. Allele origin: unknown. Affected: yes. Observed: 1 compound heterozygote.
Comment: Inframe deletion ariant

NM_024312.5(GNPTAB):c.3449del (p.Leu1150fs)

Gene: GNPTAB (N-acetylglucosamine-1-phosphate transferase subunits alpha and beta; minus strand). Cytogenetic location: 12q23.2.
Variant type: Deletion.
Coding change: c.3449del on transcript NM_024312.5 (MANE Select); coding-DNA position 3449, one base deleted (T; older notation c.3449delT).
Protein change: p.Leu1150fs; shifts the reading frame from leucine 1150.
Molecular consequence: frameshift variant.
Genome position (GRCh38, 1-based): chr12:101,753,525, A deleted on the plus strand (T on the coding strand, the reverse complement: GNPTAB is on the minus strand). VCF-style (leftmost placement, unchanged base first): chr12-101753524-CA-C. GRCh37 (hg19) VCF-style: chr12-102147302-CA-C.
Other names: c.3449_3449delT (NM_024312.4); short protein forms L1150fs.
Identifiers: ClinVar variation 397566 (VCV000397566.3), dbSNP rs1060499684, ClinGen allele CA16609424.